The following is an entry in ClinVar:

ClinVar aggregate classification (germline): Uncertain significance (1 of 4 stars; one submission).

Conditions:
Multiple gastrointestinal atresias. Also called: FAMILIAL INTESTINAL POLYATRESIA SYNDROME; Multiple intestinal atresia. Identifiers: Orphanet 2300, MedGen C0220744, MONDO:0009465.

Allele frequency attached by ClinVar (database versions not stated): TOPMed below 0.00001; gnomAD exomes 0.00001.
gnomAD v4.1: 12 of 1,608,626 alleles (0.00075%); highest among the groups gnomAD compares: Non-Finnish European, 0.00093%; no homozygotes.

Submission:

Labcorp Genetics (formerly Invitae), Labcorp
Classification: Uncertain significance for Multiple gastrointestinal atresias. Last evaluated: 2024-12-02. Review status: criteria provided, single submitter. Criteria: Invitae Variant Classification Sherloc (09022015). Collection method: clinical testing. Allele origin: germline.
Comment: This sequence change replaces cysteine, which is neutral and slightly polar, with tyrosine, which is neutral and polar, at codon 458 of the TTC7A protein (p.Cys458Tyr). This variant is not present in population databases (gnomAD no frequency). This variant has not been reported in the literature in individuals affected with TTC7A-related conditions. ClinVar contains an entry for this variant (Variation ID: 651405). Invitae Evidence Modeling of protein sequence and biophysical properties (such as structural, functional, and spatial information, amino acid conservation, physicochemical variation, residue mobility, and thermodynamic stability) indicates that this missense variant is expected to disrupt TTC7A protein function with a positive predictive value of 80%. In summary, the available evidence is currently insufficient to determine the role of this variant in disease. Therefore, it has been classified as a Variant of Uncertain Significance.

NM_020458.4(TTC7A):c.1373G>A (p.Cys458Tyr)

Gene: TTC7A (tetratricopeptide repeat domain 7A; plus strand). Cytogenetic location: 2p21.
Variant type: single nucleotide variant.
Coding change: c.1373G>A on transcript NM_020458.4 (MANE Select); coding-DNA position 1373, G replaced by A.
Protein change: p.Cys458Tyr; replaces cysteine 458 with tyrosine.
Molecular consequence: missense variant.
Genome position (GRCh38, 1-based): chr2:47,011,416, G>A. VCF-style: chr2-47011416-G-A. GRCh37 (hg19) VCF-style: chr2-47238555-G-A.
Other names: c.1373G>A, p.Cys458Tyr (LRG_1323t1, NM_001288951.2); c.1271G>A, p.Cys424Tyr (NM_001288953.2); c.311G>A, p.Cys104Tyr (NM_001288955.2); short protein forms C458Y, C104Y, C424Y.
Identifiers: ClinVar variation 651405 (VCV000651405.8), dbSNP rs995063781, ClinGen allele CA46624992.